The following is an entry in ClinVar:

NM_020699.4(GATAD2B):c.1417C>T (p.Gln473Ter)

Gene: GATAD2B (GATA zinc finger domain containing 2B; minus strand). Cytogenetic location: 1q21.3.
Variant type: single nucleotide variant.
Coding change: c.1417C>T on transcript NM_020699.4 (MANE Select); coding-DNA position 1417, C replaced by T.
Protein change: p.Gln473Ter; replaces glutamine 473 with a stop codon.
Molecular consequence: nonsense.
Genome position (GRCh38, 1-based): chr1:153,813,252, G>A on the plus strand (C>T on the coding strand, the complement: GATAD2B is on the minus strand). VCF-style: chr1-153813252-G-A. GRCh37 (hg19) VCF-style: chr1-153785728-G-A.
Other names: short protein forms Q473*.
Identifiers: ClinVar variation 983278 (VCV000983278.3), dbSNP rs1674353634, ClinGen allele CA342523632.

ClinVar aggregate classification (germline): Pathogenic/Likely pathogenic. Review status: criteria provided, multiple submitters, no conflicts (2 of 4 stars). 2 submissions from 2 submitters: Pathogenic (1); Likely pathogenic (1). Last evaluated 2023-01-02.

Conditions:
GATAD2B-related disorder. Also called: GATAD2B-related condition.
Intellectual disability. Also called: Intellectual functioning disability; Intellectual developmental disorder; intellectual disabilities. Identifiers: MedGen C3714756, MeSH D008607, MONDO:0001071, HP:0001249.

Submissions (2):

Blueprint Genetics
Classification: Likely pathogenic for GATAD2B-related disorders. Last evaluated: 2023-01-02. Review status: criteria provided, single submitter. Criteria: ACMG Guidelines, 2015. Collection method: clinical testing. Allele origin: germline. Affected: yes. Observed: 1 variant allele.

Cytogénomique, Hospices Civils de Lyon
Classification: Pathogenic for Intellectual disability. Last evaluated: 2020-10-30. Review status: criteria provided, single submitter. Criteria: ACMG Guidelines, 2015. Collection method: clinical testing. Allele origin: de novo. Inheritance: Sporadic. Affected: yes. Observed: 1 variant allele, 1 heterozygote.
Comment: Truncating de novo variant absent from gnomAD.